The following is an entry in ClinVar:

NM_001128840.3(CACNA1D):c.3787-2A>T

Gene: CACNA1D (calcium voltage-gated channel subunit alpha1 D; plus strand). Cytogenetic location: 3p21.1.
Variant type: single nucleotide variant.
Coding change: c.3787-2A>T on transcript NM_001128840.3 (MANE Select); the canonical splice acceptor site of the intron before coding-DNA position 3787, A replaced by T.
Molecular consequence: splice acceptor variant.
Genome position (GRCh38, 1-based): chr3:53,761,996, A>T. VCF-style: chr3-53761996-A-T. GRCh37 (hg19) VCF-style: chr3-53796023-A-T.
Other names: c.3787-2A>T (NM_001128839.3); c.3847-2A>T (NM_000720.4).
Identifiers: ClinVar variation 2845357 (VCV002845357.3), dbSNP rs2474108463, ClinGen allele CA353254105.

ClinVar aggregate classification (germline): Uncertain significance (1 of 4 stars; one submission).

Submission:

Labcorp Genetics (formerly Invitae), Labcorp
Classification: Uncertain significance. Last evaluated: 2023-03-13. Review status: criteria provided, single submitter. Criteria: Invitae Variant Classification Sherloc (09022015). Collection method: clinical testing. Allele origin: germline.
Comment: In summary, the available evidence is currently insufficient to determine the role of this variant in disease. Therefore, it has been classified as a Variant of Uncertain Significance. Algorithms developed to predict the effect of sequence changes on RNA splicing suggest that this variant may disrupt the consensus splice site. This variant has not been reported in the literature in individuals affected with CACNA1D-related conditions. This variant is not present in population databases (gnomAD no frequency). This sequence change affects an acceptor splice site in intron 30 of the CACNA1D gene. It is expected to disrupt RNA splicing. Variants that disrupt the donor or acceptor splice site typically lead to a loss of protein function (PMID: 16199547), however the current clinical and genetic evidence is not sufficient to establish whether loss-of-function variants in CACNA1D cause disease.

Literature cited by the submitters: PubMed 16199547.